The following is an entry in ClinVar:

ClinVar aggregate classification (germline): Uncertain significance. Review status: criteria provided, multiple submitters, no conflicts (2 of 4 stars). 2 submissions from 2 submitters: Uncertain significance (2). Last evaluated 2025-11-11.

Conditions:
Cardiovascular phenotype. Identifiers: MedGen CN230736.
Arrhythmogenic right ventricular dysplasia 9 (ARVD9). Also called: Arrhythmogenic Right Ventricular Dysplasia/Cardiomyopathy 9; ARRHYTHMOGENIC RIGHT VENTRICULAR DYSPLASIA, FAMILIAL, 9. Identifiers: MedGen C1836906, MONDO:0012180, OMIM 609040.

Submissions (2):

Labcorp Genetics (formerly Invitae), Labcorp
Classification: Uncertain significance for Arrhythmogenic right ventricular dysplasia 9. Last evaluated: 2025-11-11. Review status: criteria provided, single submitter. Criteria: Invitae Variant Classification Sherloc (09022015). Collection method: clinical testing. Allele origin: germline.
Comment: This sequence change replaces glutamic acid, which is acidic and polar, with aspartic acid, which is acidic and polar, at codon 619 of the PKP2 protein (p.Glu619Asp). This variant is not present in population databases (gnomAD no frequency). This variant has not been reported in the literature in individuals affected with PKP2-related conditions. ClinVar contains an entry for this variant (Variation ID: 4138106). An algorithm developed to predict the effect of missense changes on protein structure and function (PolyPhen-2) suggests that this variant is likely to be disruptive. In summary, the available evidence is currently insufficient to determine the role of this variant in disease. Therefore, it has been classified as a Variant of Uncertain Significance.

Ambry Genetics
Classification: Uncertain significance for Cardiovascular phenotype. Last evaluated: 2025-08-24. Review status: criteria provided, single submitter. Criteria: Ambry Variant Classification Scheme 2023. Collection method: clinical testing. Allele origin: germline.
Comment: The p.E619D variant (also known as c.1857G>C), located in coding exon 9 of the PKP2 gene, results from a G to C substitution at nucleotide position 1857. The glutamic acid at codon 619 is replaced by aspartic acid, an amino acid with highly similar properties. This amino acid position is conserved. In addition, this alteration is predicted to be tolerated by in silico analysis. Based on the available evidence, the clinical significance of this variant remains unclear.

NM_001005242.3(PKP2):c.1725G>C (p.Glu575Asp)

Gene: PKP2 (plakophilin 2; minus strand). Cytogenetic location: 12p11.21.
Variant type: single nucleotide variant.
Coding change: c.1725G>C on transcript NM_001005242.3 (MANE Select); coding-DNA position 1725, G replaced by C.
Protein change: p.Glu575Asp; replaces glutamic acid 575 with aspartic acid.
Molecular consequence: missense variant. On other transcripts: intron variant (1).
Genome position (GRCh38, 1-based): chr12:32,822,581, C>G on the plus strand (G>C on the coding strand, the complement: PKP2 is on the minus strand). VCF-style: chr12-32822581-C-G. GRCh37 (hg19) VCF-style: chr12-32975515-C-G.
Other names: c.1725G>C, p.Glu575Asp (NM_001407155.1, NM_001407161.1); c.1857G>C, p.Glu619Asp (NM_001407157.1, NM_004572.4); c.1398G>C, p.Glu466Asp (NM_001407158.1, NM_001407159.1, NM_001407160.1 and 1 more transcripts); c.1675-1052G>C (NM_001407156.1); short protein forms E466D, E619D, E575D.
Identifiers: ClinVar variation 4138106 (VCV004138106.2).